The following is an entry in ClinVar:

ClinVar aggregate classification (germline): Uncertain significance (1 of 4 stars; one submission).

Conditions:
Gingival disorder. Also called: Gingival disease. Identifiers: MedGen C0017563, MONDO:0002021.

Submission:

Labcorp Genetics (formerly Invitae), Labcorp
Classification: Uncertain significance for Gingival disorder. Last evaluated: 2025-05-04. Review status: criteria provided, single submitter. Criteria: Invitae Variant Classification Sherloc (09022015). Collection method: clinical testing. Allele origin: germline.
Comment: This sequence change replaces alanine, which is neutral and non-polar, with serine, which is neutral and polar, at codon 282 of the FPR1 protein (p.Ala282Ser). This variant is present in population databases (rs745657784, gnomAD 0.009%). This variant has not been reported in the literature in individuals affected with FPR1-related conditions. An algorithm developed to predict the effect of missense changes on protein structure and function (PolyPhen-2) suggests that this variant is likely to be tolerated. In summary, the available evidence is currently insufficient to determine the role of this variant in disease. Therefore, it has been classified as a Variant of Uncertain Significance.

NM_002029.4(FPR1):c.844G>T (p.Ala282Ser)

Gene: FPR1 (formyl peptide receptor 1; minus strand). Cytogenetic location: 19q13.41.
Variant type: single nucleotide variant.
Coding change: c.844G>T on transcript NM_002029.4 (MANE Select); coding-DNA position 844, G replaced by T.
Protein change: p.Ala282Ser; replaces alanine 282 with serine.
Molecular consequence: missense variant.
Genome position (GRCh38, 1-based): chr19:51,746,151, C>A on the plus strand (G>T on the coding strand, the complement: FPR1 is on the minus strand). VCF-style: chr19-51746151-C-A. GRCh37 (hg19) VCF-style: chr19-52249404-C-A.
Other names: c.844G>T, p.Ala282Ser (NM_001193306.2); short protein forms A282S.
Identifiers: ClinVar variation 4691701 (VCV004691701.1).
Genomic context (GRCh38, chr19:51,746,151, plus strand): 5'-CATAGAGCATGGGGTTGAGGCAGCTGTTGAAGAAGGCCAGGGCACTTGTCACATCCACTG[C>A]AATACCAATTTCTTTGTACATGCCTTGCAATAACTCACGGATTCTGACTGTGGCTATAAG-3'
Protein context (NP_002020.1, residues 272-292): LQGMYKEIGI[Ala282Ser]VDVTSALAFF